The following is an entry in ClinVar:

NM_177438.3(DICER1):c.5084A>G (p.Asn1695Ser)

Gene: DICER1 (dicer 1, ribonuclease III; minus strand). Cytogenetic location: 14q32.13.
Variant type: single nucleotide variant.
Coding change: c.5084A>G on transcript NM_177438.3 (MANE Select); coding-DNA position 5084, A replaced by G.
Protein change: p.Asn1695Ser; replaces asparagine 1695 with serine.
Molecular consequence: missense variant. On other transcripts: non-coding transcript variant (6).
Genome position (GRCh38, 1-based): chr14:95,095,836, T>C on the plus strand (A>G on the coding strand, the complement: DICER1 is on the minus strand). VCF-style: chr14-95095836-T-C. GRCh37 (hg19) VCF-style: chr14-95562173-T-C.
Other names: c.5084A>G, p.Asn1695Ser (NM_001195573.1, NM_001271282.3, NM_001291628.2 and 13 more transcripts); c.4802A>G, p.Asn1601Ser (NM_001395686.1); c.4679A>G, p.Asn1560Ser (NM_001395687.1, NM_001395688.1, NM_001395689.1 and 2 more transcripts); c.4517A>G, p.Asn1506Ser (NM_001395691.1); c.3401A>G, p.Asn1134Ser (NM_001395697.1); short protein forms N1695S, N1601S, N1506S, N1134S, N1560S.
Identifiers: ClinVar variation 2862398 (VCV002862398.3), dbSNP rs2542475552, ClinGen allele CA390865895.

ClinVar aggregate classification (germline): Uncertain significance (1 of 4 stars; one submission).

Conditions:
DICER1-related tumor predisposition. Also called: DICER1-related pleuropulmonary blastoma cancer predisposition syndrome; DICER1 syndrome. Identifiers: Orphanet 284343, MedGen C3839822, MONDO:0100216.

Submission:

Labcorp Genetics (formerly Invitae), Labcorp
Classification: Uncertain significance for DICER1-related tumor predisposition. Last evaluated: 2023-05-07. Review status: criteria provided, single submitter. Criteria: Invitae Variant Classification Sherloc (09022015). Collection method: clinical testing. Allele origin: germline.
Comment: This variant is not present in population databases (gnomAD no frequency). This sequence change replaces asparagine, which is neutral and polar, with serine, which is neutral and polar, at codon 1695 of the DICER1 protein (p.Asn1695Ser). This variant has not been reported in the literature in individuals affected with DICER1-related conditions. Advanced modeling of protein sequence and biophysical properties (such as structural, functional, and spatial information, amino acid conservation, physicochemical variation, residue mobility, and thermodynamic stability) performed at Invitae indicates that this missense variant is expected to disrupt DICER1 protein function. In summary, the available evidence is currently insufficient to determine the role of this variant in disease. Therefore, it has been classified as a Variant of Uncertain Significance.